The following is an entry in ClinVar:

ClinVar aggregate classification (germline): Likely benign. Review status: criteria provided, multiple submitters, no conflicts (2 of 4 stars). 2 submissions from 2 submitters: Likely benign (2). Last evaluated 2023-02-14.

Allele frequency attached by ClinVar (database versions not stated): TOPMed below 0.00001; ExAC 0.00001; gnomAD exomes 0.00001; ESP Exome Variant Server 0.00008.
gnomAD v4.1: 15 of 1,602,752 alleles (0.00094%); highest among the groups gnomAD compares: Non-Finnish European, 0.0013%; no homozygotes.

Submissions (2):

Labcorp Genetics (formerly Invitae), Labcorp
Classification: Likely benign. Last evaluated: 2023-02-14. Review status: criteria provided, single submitter. Criteria: Invitae Variant Classification Sherloc (09022015). Collection method: clinical testing. Allele origin: germline.

GeneDx
Classification: Likely benign. Last evaluated: 2016-06-24. Review status: criteria provided, single submitter. Criteria: GeneDx Variant Classification (06012015). Collection method: clinical testing. Allele origin: germline. Affected: yes.
Comment: This variant is considered likely benign or benign based on one or more of the following criteria: it is a conservative change, it occurs at a poorly conserved position in the protein, it is predicted to be benign by multiple in silico algorithms, and/or has population frequency not consistent with disease.

NM_001098.3(ACO2):c.1033-20T>C

Gene: ACO2 (aconitase 2; plus strand). Cytogenetic location: 22q13.2.
Variant type: single nucleotide variant.
Coding change: c.1033-20T>C on transcript NM_001098.3 (MANE Select); 20 bases into the intron before coding-DNA position 1033, T replaced by C.
Molecular consequence: intron variant.
Genome position (GRCh38, 1-based): chr22:41,520,151, T>C. VCF-style: chr22-41520151-T-C. GRCh37 (hg19) VCF-style: chr22-41916155-T-C.
Identifiers: ClinVar variation 386913 (VCV000386913.8), dbSNP rs367846193, ClinGen allele CA10257551.
Genomic context (GRCh38, chr22:41,520,151, plus strand): 5'-TGAGGCAGTGAAAGAGGCTGTCCCCGCTTCAAGGTTTCTTCCCTCCTCTCTTTCTTCTCC[T>C]TGCATGTTTGTTTCTTCAGCTGAAGCCACACATCAATGGGCCCTTCACCCCTGACCTGGC-3'